The following is an entry in ClinVar:

NM_001370595.2(COA8):c.67G>T (p.Gly23Cys)

Gene: COA8 (cytochrome c oxidase assembly factor 8; plus strand). Cytogenetic location: 14q32.33.
Variant type: single nucleotide variant.
Coding change: c.67G>T on transcript NM_001370595.2 (MANE Select); coding-DNA position 67, G replaced by T.
Protein change: p.Gly23Cys; replaces glycine 23 with cysteine.
Molecular consequence: missense variant. On other transcripts: non-coding transcript variant (2).
Genome position (GRCh38, 1-based): chr14:103,563,068, G>T. VCF-style: chr14-103563068-G-T. GRCh37 (hg19) VCF-style: chr14-104029405-G-T.
Other names: c.106G>T (NM_032374.3); c.67G>T, p.Gly23Cys (NM_001302653.2, NM_001302654.2); short protein forms G23C.
Identifiers: ClinVar variation 1032951 (VCV001032951.4), dbSNP rs752679434, ClinGen allele CA7365408.

ClinVar aggregate classification (germline): Uncertain significance. Review status: criteria provided, multiple submitters, no conflicts (2 of 4 stars). 3 submissions from 3 submitters: Uncertain significance (3). Last evaluated 2024-11-14.

Conditions:
Inborn genetic diseases. Identifiers: MedGen C0950123, MeSH D030342.
Mitochondrial complex IV deficiency, nuclear type 1 (MC4DN1). Also called: Mitochondrial complex IV deficiency; Complex 4 mitochondrial respiratory chain deficiency; Deficiency of mitochondrial respiratory chain complex4; Complex IV deficiency; COX DEFICIENCY. Identifiers: MedGen C5435656, MONDO:0700250, OMIM 220110. Disease mechanism: loss of function.

Allele frequency attached by ClinVar (database versions not stated): gnomAD 0.00003 and 0.00004; TOPMed 0.00006; ExAC 0.00014.
gnomAD v4.1: 32 of 1,541,404 alleles (0.0021%); highest among the groups gnomAD compares: Admixed American, 0.033%; no homozygotes.

Submissions (3):

Ambry Genetics
Classification: Uncertain significance for Inborn genetic diseases. Last evaluated: 2024-11-14. Review status: criteria provided, single submitter. Criteria: Ambry Variant Classification Scheme 2023. Collection method: clinical testing. Allele origin: germline.

Labcorp Genetics (formerly Invitae), Labcorp
Classification: Uncertain significance. Last evaluated: 2022-08-06. Review status: criteria provided, single submitter. Criteria: Invitae Variant Classification Sherloc (09022015). Collection method: clinical testing. Allele origin: germline.
Comment: This sequence change replaces glycine, which is neutral and non-polar, with cysteine, which is neutral and slightly polar, at codon 36 of the APOPT1 protein (p.Gly36Cys). This variant is present in population databases (rs752679434, gnomAD 0.04%). This variant has not been reported in the literature in individuals affected with APOPT1-related conditions. ClinVar contains an entry for this variant (Variation ID: 1032951). Algorithms developed to predict the effect of missense changes on protein structure and function (SIFT, PolyPhen-2, Align-GVGD) all suggest that this variant is likely to be tolerated. In summary, the available evidence is currently insufficient to determine the role of this variant in disease. Therefore, it has been classified as a Variant of Uncertain Significance.

Baylor Genetics
Classification: Uncertain significance for Mitochondrial complex IV deficiency, nuclear type 1. Last evaluated: 2018-08-02. Review status: criteria provided, single submitter. Criteria: ACMG Guidelines, 2015. Collection method: clinical testing. Allele origin: maternal. Affected: yes.
Comment: This variant was determined to be of uncertain significance according to ACMG Guidelines, 2015 [PMID:25741868].